The following is an entry in ClinVar:

NM_001466.4(FZD2):c.922G>C (p.Glu308Gln)

Gene: FZD2 (frizzled class receptor 2; plus strand). Cytogenetic location: 17q21.31.
Variant type: single nucleotide variant.
Coding change: c.922G>C on transcript NM_001466.4 (MANE Select); coding-DNA position 922, G replaced by C.
Protein change: p.Glu308Gln; replaces glutamic acid 308 with glutamine.
Molecular consequence: missense variant.
Genome position (GRCh38, 1-based): chr17:44,558,610, G>C. VCF-style: chr17-44558610-G-C. GRCh37 (hg19) VCF-style: chr17-42635978-G-C.
Other names: short protein forms E308Q.
Identifiers: ClinVar variation 2630427 (VCV002630427.1), dbSNP rs1430553474, ClinGen allele CA399795687.

ClinVar aggregate classification (germline): Uncertain significance (1 of 4 stars; one submission).

Conditions:
FZD2-related disorder. Also called: FZD2-related condition.

Allele frequency attached by ClinVar (database versions not stated): gnomAD 0.00001; TOPMed 0.00001.

Submission:

PreventionGenetics, part of Exact Sciences
Classification: Uncertain significance for FZD2-related condition. Last evaluated: 2023-02-17. Review status: criteria provided, single submitter. Criteria: ACMG Guidelines, 2015. Collection method: clinical testing. Allele origin: germline.
Comment: The FZD2 c.922G>C variant is predicted to result in the amino acid substitution p.Glu308Gln. To our knowledge, this variant has not been reported in the literature or in a large population database, indicating this variant is rare. At this time, the clinical significance of this variant is uncertain due to the absence of conclusive functional and genetic evidence.